The following is an entry in ClinVar:

ClinVar aggregate classification (germline): Uncertain significance. Review status: criteria provided, multiple submitters, no conflicts (2 of 4 stars). 2 submissions from 2 submitters: Uncertain significance (2). Last evaluated 2026-07-07.

Conditions:
Hereditary cancer-predisposing syndrome. Also called: Hereditary Cancer Syndrome; Hereditary neoplastic syndrome; Neoplastic Syndromes, Hereditary; Tumor predisposition. Identifiers: Orphanet 140162, MedGen C0027672, MeSH D009386, MONDO:0015356.
Carney complex, type 1 (CNC1). Also called: CARNEY MYXOMA-ENDOCRINE COMPLEX; CARNEY COMPLEX, TYPE I. Identifiers: Orphanet 1359, MedGen C2607929, MONDO:0008057, OMIM 160980.

Submissions (2):

Ambry Genetics
Classification: Uncertain significance for Hereditary cancer-predisposing syndrome. Last evaluated: 2026-07-07. Review status: criteria provided, single submitter. Criteria: Ambry Variant Classification Scheme 2023. Collection method: clinical testing. Allele origin: germline.
Comment: The p.V156I variant (also known as c.466G>A), located in coding exon 4 of the PRKAR1A gene, results from a G to A substitution at nucleotide position 466. The valine at codon 156 is replaced by isoleucine, an amino acid with highly similar properties. This amino acid position is conserved. In addition, the in silico prediction for this alteration is inconclusive. Based on the available evidence, the clinical significance of this variant remains unclear.

Labcorp Genetics (formerly Invitae), Labcorp
Classification: Uncertain significance for Carney complex, type 1. Last evaluated: 2025-05-18. Review status: criteria provided, single submitter. Criteria: Invitae Variant Classification Sherloc (09022015). Collection method: clinical testing. Allele origin: germline.
Comment: This sequence change replaces valine, which is neutral and non-polar, with isoleucine, which is neutral and non-polar, at codon 156 of the PRKAR1A protein (p.Val156Ile). This variant is not present in population databases (gnomAD no frequency). This variant has not been reported in the literature in individuals affected with PRKAR1A-related conditions. Invitae Evidence Modeling of protein sequence and biophysical properties (such as structural, functional, and spatial information, amino acid conservation, physicochemical variation, residue mobility, and thermodynamic stability) indicates that this missense variant is not expected to disrupt PRKAR1A protein function with a negative predictive value of 95%. In summary, the available evidence is currently insufficient to determine the role of this variant in disease. Therefore, it has been classified as a Variant of Uncertain Significance.

NM_002734.5(PRKAR1A):c.466G>A (p.Val156Ile)

Gene: PRKAR1A (protein kinase cAMP-dependent type I regulatory subunit alpha; plus strand). Cytogenetic location: 17q24.2.
Variant type: single nucleotide variant.
Coding change: c.466G>A on transcript NM_002734.5 (MANE Select); coding-DNA position 466, G replaced by A.
Protein change: p.Val156Ile; replaces valine 156 with isoleucine.
Molecular consequence: missense variant.
Genome position (GRCh38, 1-based): chr17:68,524,041, G>A. VCF-style: chr17-68524041-G-A. GRCh37 (hg19) VCF-style: chr17-66520182-G-A.
Other names: c.466G>A, p.Val156Ile (NM_001276289.2, NM_001276290.1, NM_001278433.2 and 4 more transcripts); c.466G>A (NM_002734.3); short protein forms V156I.
Identifiers: ClinVar variation 4736810 (VCV004736810.2).
Genomic context (GRCh38, chr17:68,524,041, plus strand): 5'-GTGAAATGTAACACGAGGCCTTCTCTCTTTTGCAGTGATATTTTTGATGCCATGTTTTCG[G>A]TCTCCTTTATCGCAGGAGAGACTGTGATTCAGCAAGGTAAGGGCCTCTGGAGCATGCAAT-3'
Protein context (NP_002725.1, residues 146-166): RSDIFDAMFS[Val156Ile]SFIAGETVIQ